The following is an entry in ClinVar:

ClinVar aggregate classification (germline): Likely pathogenic (1 of 4 stars; one submission).

Conditions:
Intellectual developmental disorder, autosomal dominant 44, with microcephaly. Also called: Micrognathia-recurrent infections-behavioral abnormalities-mild intellectual disability syndrome; TRIO-Related Intellectual Disability. Identifiers: Orphanet 476126, MedGen C4310740, MONDO:0014892, OMIM 617061.

Submission:

3billion
Classification: Likely pathogenic for Intellectual developmental disorder, autosomal dominant 44, with microcephaly. Last evaluated: 2025-08-25. Review status: criteria provided, single submitter. Criteria: ACMG Guidelines, 2015. Collection method: clinical testing. Allele origin: germline. Affected: yes.
Comment: The variant is not observed in the gnomAD v4.1.0 dataset. Predicted Consequence/Location: Frameshift: predicted to result in a loss or disruption of normal protein function through nonsense-mediated decay (NMD) or protein truncation. Multiple pathogenic variants are reported downstream of the variant. Therefore, this variant is classified as Likely pathogenic according to the recommendation of ACMG/AMP guideline.

NM_007118.4(TRIO):c.5953del (p.Val1985fs)

Gene: TRIO (trio Rho guanine nucleotide exchange factor; plus strand). Cytogenetic location: 5p15.2.
Variant type: Deletion.
Coding change: c.5953del on transcript NM_007118.4 (MANE Select); coding-DNA position 5953, one base deleted (G; older notation c.5953delG).
Protein change: p.Val1985fs; shifts the reading frame from valine 1985.
Molecular consequence: frameshift variant. On other transcripts: non-coding transcript variant (1).
Genome position (GRCh38, 1-based): chr5:14,472,632, G deleted. VCF-style (leftmost placement, unchanged base first): chr5-14472631-TG-T. GRCh37 (hg19) VCF-style: chr5-14472740-TG-T.
Other names: short protein forms V1985fs.
Identifiers: ClinVar variation 4854910 (VCV004854910.1).